The following is an entry in ClinVar:

NM_020944.3(GBA2):c.787-19T>C

Gene: GBA2 (glucosylceramidase beta 2; minus strand). Cytogenetic location: 9p13.3.
Variant type: single nucleotide variant.
Coding change: c.787-19T>C on transcript NM_020944.3 (MANE Select); 19 bases into the intron before coding-DNA position 787, T replaced by C.
Molecular consequence: intron variant.
Genome position (GRCh38, 1-based): chr9:35,741,083, A>G on the plus strand (T>C on the coding strand, the complement: GBA2 is on the minus strand). VCF-style: chr9-35741083-A-G. GRCh37 (hg19) VCF-style: chr9-35741080-A-G.
Other names: c.787-19T>C (NM_001330660.2).
Identifiers: ClinVar variation 390512 (VCV000390512.3), dbSNP rs551860870, ClinGen allele CA5050610.

ClinVar aggregate classification (germline): Likely benign. Review status: criteria provided, multiple submitters, no conflicts (2 of 4 stars). 2 submissions from 2 submitters: Likely benign (2). Last evaluated 2024-11-30.

Conditions:
Spastic paraplegia. Identifiers: MedGen C0037772, HP:0001258.

Allele frequency attached by ClinVar (database versions not stated): TOPMed 0.00002; gnomAD exomes 0.00004; gnomAD 0.00006; ExAC 0.00009; 1000 Genomes Project 30x 0.00141; 1000 Genomes Project 0.00180.
gnomAD v4.1: 63 of 1,613,418 alleles (0.0039%); highest among the groups gnomAD compares: South Asian, 0.065%; 2 homozygotes.

Submissions (2):

Labcorp Genetics (formerly Invitae), Labcorp
Classification: Likely benign for Spastic paraplegia. Last evaluated: 2024-11-30. Review status: criteria provided, single submitter. Criteria: Invitae Variant Classification Sherloc (09022015). Collection method: clinical testing. Allele origin: germline.

GeneDx
Classification: Likely benign. Last evaluated: 2016-11-01. Review status: criteria provided, single submitter. Criteria: GeneDx Variant Classification (06012015). Collection method: clinical testing. Allele origin: germline. Affected: yes.
Comment: This variant is considered likely benign or benign based on one or more of the following criteria: it is a conservative change, it occurs at a poorly conserved position in the protein, it is predicted to be benign by multiple in silico algorithms, and/or has population frequency not consistent with disease.